The following is an entry in ClinVar:

ClinVar aggregate classification (germline): Pathogenic (1 of 4 stars; one submission).

Conditions:
FRAXE. Also called: Fragile XE syndrome; FRAXE Syndrome; FRAXE intellectual disability; Intellectual developmental disorder, X-linked 109; Intellectual disability, X-linked, FRAXE type. Identifiers: Orphanet 100973, MedGen C0751157, MONDO:0010659, OMIM 309548. Disease mechanism: loss of function.

Submission:

Myriad Genetics, Inc.
Classification: Pathogenic for FRAXE. Last evaluated: 2025-08-22. Review status: criteria provided, single submitter. Criteria: Myriad Autosomal Dominant, Autosomal Recessive and X-Linked Classification Criteria (2023). Collection method: clinical testing. Allele origin: unknown.
Comment: NM_002025.3(AFF2):c.3238_3245del8(K1080Efs*5) is expected to be pathogenic in the context of fragile XE syndrome. This variant is predicted to lead to an abnormal or absent protein product due to the creation of a premature termination codon in AFF2, a gene where loss-of-function variants are known to be pathogenic. Please note: this variant was assessed in the context of healthy population screening.

NM_002025.4(AFF2):c.3238_3245del (p.Lys1080fs)

Gene: AFF2 (ALF transcription elongation factor 2; plus strand). Cytogenetic location: Xq28.
Variant type: Microsatellite.
Coding change: c.3238_3245del on transcript NM_002025.4 (MANE Select); coding-DNA positions 3238 to 3245, 8 bases deleted (AAGAAGCT; older notation c.3238_3245delAAGAAGCT).
Protein change: p.Lys1080fs; shifts the reading frame from lysine 1080.
Molecular consequence: frameshift variant.
Genome position (GRCh38, 1-based): chrX:148,967,663-148,967,670, AAGAAGCT deleted; deleting any 8 consecutive bases within chrX:148,967,655-148,967,670 gives the same sequence; the c. name uses the placement nearest the transcript's 3' end. VCF-style (leftmost placement, unchanged base first): chrX-148967654-CAAGAAGCT-C. GRCh37 (hg19) VCF-style: chrX-148049184-CAAGAAGCT-C.
Other names: c.3133_3140del, p.Lys1045fs (NM_001169122.2, NM_001169124.2); c.3208_3215del, p.Lys1070fs (NM_001169123.2); c.3121_3128del, p.Lys1041fs (NM_001169125.2); c.2161_2168del, p.Lys721fs (NM_001170628.1); short protein forms K1041fs, K1045fs, K1070fs, K1080fs, K721fs.
Identifiers: ClinVar variation 5014899 (VCV005014899.1).